The following is an entry in ClinVar:

ClinVar aggregate classification (germline): Likely benign (0 of 4 stars; one submission).

Conditions:
NCOA1-related disorder. Also called: NCOA1-related condition.

Allele frequency attached by ClinVar (database versions not stated): gnomAD exomes 0.00001; ExAC 0.00002; gnomAD 0.00007; TOPMed 0.00014.
gnomAD v4.1: 31 of 1,613,608 alleles (0.0019%); highest among the groups gnomAD compares: African/African-American, 0.033%; no homozygotes.

Submission:

PreventionGenetics, part of Exact Sciences
Classification: Likely benign for NCOA1-related condition. Last evaluated: 2022-03-24. Review status: no assertion criteria provided. Collection method: clinical testing. Allele origin: germline.
Comment: This variant is classified as likely benign based on ACMG/AMP sequence variant interpretation guidelines (Richards et al. 2015 PMID: 25741868, with internal and published modifications).

NM_003743.5(NCOA1):c.2802A>G (p.Glu934=)

Gene: NCOA1 (nuclear receptor coactivator 1; plus strand). Cytogenetic location: 2p23.3.
Variant type: single nucleotide variant.
Coding change: c.2802A>G on transcript NM_003743.5 (MANE Select); coding-DNA position 2802, A replaced by G.
Protein change: p.Glu934=; no amino-acid change (glutamic acid 934 retained).
Molecular consequence: synonymous variant.
Genome position (GRCh38, 1-based): chr2:24,728,392, A>G. VCF-style: chr2-24728392-A-G. GRCh37 (hg19) VCF-style: chr2-24951261-A-G.
Other names: c.2802A>G, p.Glu934= (NM_001362950.1, NM_001362952.1, NM_001362954.1 and 3 more transcripts).
Identifiers: ClinVar variation 3057348 (VCV003057348.2), dbSNP rs764443539, ClinGen allele CA1552501.